The following is an entry in ClinVar:

ClinVar aggregate classification (germline): Uncertain significance. Review status: criteria provided, multiple submitters, no conflicts (2 of 4 stars). 2 submissions from 2 submitters: Uncertain significance (2). Last evaluated 2025-07-07.

Conditions:
Inborn genetic diseases. Identifiers: MedGen C0950123, MeSH D030342.
ALG1-congenital disorder of glycosylation. Also called: ALG1-CDG; CONGENITAL DISORDER OF GLYCOSYLATION, TYPE Ik; CDG Ik. Identifiers: Orphanet 79327, MedGen C2931005, MONDO:0012052, OMIM 608540.

Submissions (2):

Labcorp Genetics (formerly Invitae), Labcorp
Classification: Uncertain significance for ALG1-congenital disorder of glycosylation. Last evaluated: 2025-07-07. Review status: criteria provided, single submitter. Criteria: Invitae Variant Classification Sherloc (09022015). Collection method: clinical testing. Allele origin: germline.
Comment: This sequence change replaces aspartic acid, which is acidic and polar, with glutamic acid, which is acidic and polar, at codon 252 of the ALG1 protein (p.Asp252Glu). This variant is present in population databases (rs776990267, gnomAD 0.02%). This variant has not been reported in the literature in individuals affected with ALG1-related conditions. ClinVar contains an entry for this variant (Variation ID: 2069952). Invitae Evidence Modeling of protein sequence and biophysical properties (such as structural, functional, and spatial information, amino acid conservation, physicochemical variation, residue mobility, and thermodynamic stability) has been performed for this missense variant. However, the output from this modeling did not meet the statistical confidence thresholds required to predict the impact of this variant on ALG1 protein function. In summary, the available evidence is currently insufficient to determine the role of this variant in disease. Therefore, it has been classified as a Variant of Uncertain Significance.

Ambry Genetics
Classification: Uncertain significance for Inborn genetic diseases. Last evaluated: 2022-03-03. Review status: criteria provided, single submitter. Criteria: Ambry Variant Classification Scheme 2023. Collection method: clinical testing. Allele origin: germline.

NM_019109.5(ALG1):c.756C>G (p.Asp252Glu)

Gene: ALG1 (ALG1 chitobiosyldiphosphodolichol beta-mannosyltransferase; plus strand). Cytogenetic location: 16p13.3.
Variant type: single nucleotide variant.
Coding change: c.756C>G on transcript NM_019109.5 (MANE Select); coding-DNA position 756, C replaced by G.
Protein change: p.Asp252Glu; replaces aspartic acid 252 with glutamic acid.
Molecular consequence: missense variant.
Genome position (GRCh38, 1-based): chr16:5,078,772, C>G. VCF-style: chr16-5078772-C-G. GRCh37 (hg19) VCF-style: chr16-5128773-C-G.
Other names: c.423C>G, p.Asp141Glu (NM_001330504.2); short protein forms D141E, D252E.
Identifiers: ClinVar variation 2069952 (VCV002069952.3), dbSNP rs776990267, ClinGen allele CA7890003.